The following is an entry in ClinVar:

ClinVar aggregate classification (germline): Pathogenic/Likely pathogenic. Review status: criteria provided, multiple submitters, no conflicts (2 of 4 stars). 2 submissions from 2 submitters: Pathogenic (1); Likely pathogenic (1). Last evaluated 2025-09-02.

Conditions:
CD36-related disorder. Also called: CD36-related condition; CD36-related disorders.
Platelet-type bleeding disorder 10. Also called: CD36 DEFICIENCY. Identifiers: MedGen C1842090, MONDO:0012031, OMIM 608404.

gnomAD v4.1: 39 of 1,593,776 alleles (0.0024%); highest among the groups gnomAD compares: East Asian, 0.081%; no homozygotes.

Submissions (4):

PreventionGenetics, part of Exact Sciences
Classification: Pathogenic for CD36-related condition. Last evaluated: 2025-09-02. Review status: criteria provided, single submitter. Criteria: ACMG Guidelines, 2015. Collection method: clinical testing. Allele origin: germline.
Comment: The CD36 c.1006+2T>G variant is predicted to disrupt the GT donor site and interfere with normal splicing. The functional study showed that this variant can lead to CD36 deficiency (Li et al. 2020. PubMed ID: 33283742). This variant is reported in 0.18% of alleles in individuals of East Asian descent in gnomAD. Variants that disrupt the consensus splice donor site in CD36 are expected to be pathogenic. This variant is interpreted as pathogenic.

Juno Genomics, Hangzhou Juno Genomics, Inc
Classification: Likely pathogenic for Platelet-type bleeding disorder 10. Review status: criteria provided, single submitter. Criteria: ACMG Guidelines, 2015. Collection method: clinical testing. Allele origin: germline.
Comment: Absent from controls (or at extremely low frequency if recessive) in Genome Aggregation Database.;Null variant in a gene where loss of function (LOF) is a known mechanism of disease.;For recessive disorders, detected in trans with a pathogenic variant.

Dr. Peter K. Rogan Lab, Western University
No classification provided (evidence only). Condition: Sarcoma. Review status: no classification provided. Collection method: in vitro. Allele origin: not applicable. Functional consequence: retained intron. Not counted in ClinVar's aggregate classification.

Dr. Peter K. Rogan Lab, Western University
No classification provided (evidence only). Condition: Hepatocellular carcinoma. Review status: no classification provided. Collection method: in vitro. Allele origin: not applicable. Functional consequence: skipped exon. Not counted in ClinVar's aggregate classification.

NM_001001548.3(CD36):c.1006+2T>G

Gene: CD36 (CD36 molecule (CD36 blood group); plus strand). Cytogenetic location: 7q21.11.
Variant type: single nucleotide variant.
Coding change: c.1006+2T>G on transcript NM_001001548.3 (MANE Select); the canonical splice donor site of the intron after coding-DNA position 1006, T replaced by G.
Molecular consequence: splice donor variant.
Genome position (GRCh38, 1-based): chr7:80,671,166, T>G. VCF-style: chr7-80671166-T-G. GRCh37 (hg19) VCF-style: chr7-80300482-T-G.
Other names: NC_000007.13:g.80300482T>G; c.826+2T>G (NM_001289909.1); c.1006+2T>G (NM_001127443.2, NM_001127444.2, NM_001371075.1 and 5 more transcripts); c.889+2T>G (NM_001289908.1); c.541+2T>G (NM_001371081.1, NM_001371080.1); c.778+2T>G (NM_001289911.2); c.904+2T>G (NM_001371079.1).
Identifiers: ClinVar variation 4339975 (VCV004339975.4), dbSNP rs555480623.